The following is an entry in ClinVar:

NM_000054.7(AVPR2):c.1018C>T (p.Leu340Phe)

Gene: AVPR2 (arginine vasopressin receptor 2; plus strand). Cytogenetic location: Xq28.
Variant type: single nucleotide variant.
Coding change: c.1018C>T on transcript NM_000054.7 (MANE Select); coding-DNA position 1018, C replaced by T.
Protein change: p.Leu340Phe; replaces leucine 340 with phenylalanine.
Molecular consequence: missense variant. On other transcripts: 3 prime UTR variant (1), non-coding transcript variant (1).
Genome position (GRCh38, 1-based): chrX:153,906,630, C>T. VCF-style: chrX-153906630-C-T. GRCh37 (hg19) VCF-style: chrX-153172084-C-T.
Other names: c.*194C>T (NM_001146151.3); c.1018C>T (NM_000054.6); short protein forms L340F.
Identifiers: ClinVar variation 2577303 (VCV002577303.3), dbSNP rs781996624, ClinGen allele CA10555121.

ClinVar aggregate classification (germline): Conflicting classifications of pathogenicity. Review status: criteria provided, conflicting classifications (1 of 4 stars). 3 submissions from 3 submitters: Uncertain significance (2); Likely benign (1). Last evaluated 2024-06-15.

Conditions:
Inborn genetic diseases. Identifiers: MedGen C0950123, MeSH D030342.
Diabetes insipidus, nephrogenic, X-linked. Also called: Nephrogenic Diabetes Insipidus, Type I. Identifiers: Orphanet 223, MedGen C1563705, MONDO:0010581, OMIM 304800.
Nephrogenic syndrome of inappropriate antidiuresis (NSIAD). Identifiers: Orphanet 93606, MedGen C1845202, MONDO:0010356, OMIM 300539.

Allele frequency attached by ClinVar (database versions not stated): TOPMed below 0.00001; gnomAD exomes 0.00001; ExAC 0.00005.

Submissions (3):

Fulgent Genetics
Classification: Uncertain significance for Nephrogenic syndrome of inappropriate antidiuresis; Diabetes insipidus, nephrogenic, X-linked. Last evaluated: 2024-06-15. Review status: criteria provided, single submitter. Criteria: ACMG Guidelines, 2015. Collection method: clinical testing. Allele origin: germline.

Ambry Genetics
Classification: Likely benign for Inborn genetic diseases. Last evaluated: 2024-01-23. Review status: criteria provided, single submitter. Criteria: Ambry Variant Classification Scheme 2023. Collection method: clinical testing. Allele origin: germline.

Women's Health and Genetics/Laboratory Corporation of America, LabCorp
Classification: Uncertain significance. Last evaluated: 2023-07-19. Review status: criteria provided, single submitter. Criteria: LabCorp Variant Classification Summary - May 2015. Collection method: clinical testing. Allele origin: germline.
Comment: Variant summary: AVPR2 c.1018C>T (p.Leu340Phe) results in a non-conservative amino acid change in the encoded protein sequence. Three of five in-silico tools predict a benign effect of the variant on protein function. The variant allele was found at a frequency of 4.5e-05 in 178604 control chromosomes (gnomAD). The available data on variant occurrences in the general population are insufficient to allow any conclusion about variant significance. To our knowledge, no occurrence of c.1018C>T in individuals affected with Nephrogenic Diabetes Insipidus and no experimental evidence demonstrating its impact on protein function have been reported. No submitters have cited clinical-significance assessments for this variant to ClinVar after 2014. Based on the evidence outlined above, the variant was classified as uncertain significance.